The following is an entry in ClinVar:

ClinVar aggregate classification (germline): Uncertain significance (1 of 4 stars; one submission).

Submission:

Labcorp Genetics (formerly Invitae), Labcorp
Classification: Uncertain significance. Last evaluated: 2022-03-04. Review status: criteria provided, single submitter. Criteria: Invitae Variant Classification Sherloc (09022015). Collection method: clinical testing. Allele origin: germline.
Comment: This sequence change creates a premature translational stop signal (p.Gly358Thrfs*40) in the CCBE1 gene. While this is not anticipated to result in nonsense mediated decay, it is expected to disrupt the last 49 amino acid(s) of the CCBE1 protein. This variant is not present in population databases (gnomAD no frequency). This variant has not been reported in the literature in individuals affected with CCBE1-related conditions. Experimental studies and prediction algorithms are not available or were not evaluated, and the functional significance of this variant is currently unknown. In summary, the available evidence is currently insufficient to determine the role of this variant in disease. Therefore, it has been classified as a Variant of Uncertain Significance.

NM_133459.4(CCBE1):c.1072_1075del (p.Gly358fs)

Gene: CCBE1 (collagen and calcium binding EGF domains 1; minus strand). Cytogenetic location: 18q21.32.
Variant type: Deletion.
Coding change: c.1072_1075del on transcript NM_133459.4 (MANE Select); coding-DNA positions 1072 to 1075, 4 bases deleted (GGGC; older notation c.1072_1075delGGGC).
Protein change: p.Gly358fs; shifts the reading frame from glycine 358.
Molecular consequence: frameshift variant.
Genome position (GRCh38, 1-based): chr18:59,436,054-59,436,057, GCCC deleted on the plus strand (GGGC on the coding strand, the reverse complement: CCBE1 is on the minus strand); deleting any 4 consecutive bases within chr18:59,436,054-59,436,058 gives the same sequence; the c. name uses the placement nearest the transcript's 3' end. VCF-style (leftmost placement, unchanged base first): chr18-59436053-TGCCC-T. GRCh37 (hg19) VCF-style: chr18-57103285-TGCCC-T.
Other names: short protein forms G358fs.
Identifiers: ClinVar variation 2106196 (VCV002106196.4), dbSNP rs2511543239, ClinGen allele CA2580095963.